The following is an entry in ClinVar:

NM_001127222.2(CACNA1A):c.5765T>C (p.Leu1922Pro)

Gene: CACNA1A (calcium voltage-gated channel subunit alpha1 A; minus strand). Cytogenetic location: 19p13.13.
Variant type: single nucleotide variant.
Coding change: c.5765T>C on transcript NM_001127222.2 (MANE Select); coding-DNA position 5765, T replaced by C.
Protein change: p.Leu1922Pro; replaces leucine 1922 with proline.
Molecular consequence: missense variant.
Genome position (GRCh38, 1-based): chr19:13,214,575, A>G on the plus strand (T>C on the coding strand, the complement: CACNA1A is on the minus strand). VCF-style: chr19-13214575-A-G. GRCh37 (hg19) VCF-style: chr19-13325389-A-G.
Other names: c.5783T>C, p.Leu1928Pro (NM_000068.4, NM_023035.3); c.5768T>C, p.Leu1923Pro (NM_001127221.2); c.5774T>C, p.Leu1925Pro (NM_001174080.2); short protein forms L1922P, L1923P, L1925P, L1928P.
Identifiers: ClinVar variation 5042012 (VCV005042012.1).

ClinVar aggregate classification (germline): Uncertain significance (1 of 4 stars; one submission).

Conditions:
Developmental and epileptic encephalopathy, 42 (DEE42A). Also called: Epileptic encephalopathy, early infantile, 42; DEVELOPMENTAL AND EPILEPTIC ENCEPHALOPATHY 42A; EPILEPTIC ENCEPHALOPATHY, EARLY INFANTILE, 42A. Identifiers: MedGen C4310716, MONDO:0014917, OMIM 617106.

Submission:

Clinical Genetics Laboratory, University Hospital Schleswig-Holstein
Classification: Uncertain significance for Developmental and epileptic encephalopathy, 42. Last evaluated: 2025-01-14. Review status: criteria provided, single submitter. Criteria: ACMG Guidelines, 2015. Collection method: clinical testing. Allele origin: paternal. Affected: yes.
Comment: ACMG criteria applied: PM2_Supporting, PP3, PP2